The following is an entry in ClinVar:

NM_002354.3(EPCAM):c.658-6A>G

Gene: EPCAM (epithelial cell adhesion molecule; plus strand). Cytogenetic location: 2p21.
Variant type: single nucleotide variant.
Coding change: c.658-6A>G on transcript NM_002354.3 (MANE Select); 6 bases into the intron before coding-DNA position 658, A replaced by G.
Molecular consequence: intron variant.
Genome position (GRCh38, 1-based): chr2:47,379,763, A>G. VCF-style: chr2-47379763-A-G. GRCh37 (hg19) VCF-style: chr2-47606902-A-G.
Identifiers: ClinVar variation 239137 (VCV000239137.6), dbSNP rs768723264, ClinGen allele CA1649131.

ClinVar aggregate classification (germline): Uncertain significance. Review status: criteria provided, single submitter (1 of 4 stars). 2 submissions from 1 submitter: Uncertain significance (1). 1 of the submissions does not count toward it. Last evaluated 2016-01-29.

Conditions:
Lynch syndrome. Identifiers: Orphanet 144, MedGen C4552100, MONDO:0005835. Disease mechanism: loss of function.

Allele frequency attached by ClinVar (database versions not stated): ExAC 0.00001; gnomAD exomes 0.00001; gnomAD 0.00002 and 0.00003; TOPMed 0.00002.
gnomAD v4.1: 8 of 1,612,306 alleles (0.0005%); highest among the groups gnomAD compares: East Asian, 0.0089%; no homozygotes.

Submissions (2):

Labcorp Genetics (formerly Invitae), Labcorp
Classification: Uncertain significance. Last evaluated: 2016-01-29. Review status: criteria provided, single submitter. Criteria: Invitae Variant Classification Sherloc (09022015). Collection method: clinical testing. Allele origin: germline.
Comment: This variant is present in population databases (rs768723264, ExAC 0.01%) but has not been reported in the literature in individuals with a EPCAM-related disease. In summary, this is a rare intronic change with uncertain impact on splicing. It has been classified as a Variant of Uncertain Significance. Algorithms developed to predict the effect of nucleotide changes on mRNA splicing suggest that this intronic variant may alter mRNA splicing, but this prediction has not been confirmed by published transcriptional studies. This sequence change falls in intron 6 of the EPCAM mRNA. It does not directly change the encoded amino acid sequence of the EPCAM protein.

Labcorp Genetics (formerly Invitae), Labcorp
Classification: Uncertain significance for Hereditary nonpolyposis colorectal neoplasms. Last evaluated: 2016-01-29. Review status: flagged submission. Criteria: Invitae Variant Classification Sherloc (09022015). Collection method: clinical testing. Allele origin: germline. Not counted in ClinVar's aggregate classification.
Comment: This sequence change falls in intron 6 of the EPCAM mRNA. It does not directly change the encoded amino acid sequence of the EPCAM protein. This variant is present in population databases (rs768723264, ExAC 0.01%) but has not been reported in the literature in individuals with a EPCAM-related disease. Algorithms developed to predict the effect of nucleotide changes on mRNA splicing suggest that this intronic variant may alter mRNA splicing, but this prediction has not been confirmed by published transcriptional studies. In summary, this is a rare intronic change with uncertain impact on splicing. It has been classified as a Variant of Uncertain Significance.
ClinVar note: Reason: This record appears to be redundant with a more recent record from the same submitter.
ClinVar note: Notes: SCV000287363 appears to be redundant with SCV001488972.